The following is an entry in ClinVar:

NM_025103.4(IFT74):c.1104G>A (p.Met368Ile)

Gene: IFT74 (intraflagellar transport 74; plus strand). Cytogenetic location: 9p21.2.
Variant type: single nucleotide variant.
Coding change: c.1104G>A on transcript NM_025103.4 (MANE Select); coding-DNA position 1104, G replaced by A.
Protein change: p.Met368Ile; replaces methionine 368 with isoleucine.
Molecular consequence: missense variant.
Genome position (GRCh38, 1-based): chr9:27,044,791, G>A. VCF-style: chr9-27044791-G-A. GRCh37 (hg19) VCF-style: chr9-27044789-G-A.
Other names: c.1104G>A, p.Met368Ile (NM_001099222.3, NM_001099223.3, NM_001349928.2); short protein forms M368I.
Identifiers: ClinVar variation 1389664 (VCV001389664.6), dbSNP rs1288102281, ClinGen allele CA373124381.

ClinVar aggregate classification (germline): Uncertain significance (1 of 4 stars; one submission).

Allele frequency attached by ClinVar (database versions not stated): gnomAD exomes below 0.00001; gnomAD 0.00001; TOPMed 0.00001.
gnomAD v4.1: 3 of 1,513,538 alleles (0.0002%); highest among the groups gnomAD compares: East Asian, 0.0023%; no homozygotes.

Submission:

Labcorp Genetics (formerly Invitae), Labcorp
Classification: Uncertain significance. Last evaluated: 2023-10-03. Review status: criteria provided, single submitter. Criteria: Invitae Variant Classification Sherloc (09022015). Collection method: clinical testing. Allele origin: germline.
Comment: This sequence change replaces methionine, which is neutral and non-polar, with isoleucine, which is neutral and non-polar, at codon 368 of the IFT74 protein (p.Met368Ile). This variant is present in population databases (no rsID available, gnomAD 0.006%). This variant has not been reported in the literature in individuals affected with IFT74-related conditions. ClinVar contains an entry for this variant (Variation ID: 1389664). An algorithm developed to predict the effect of missense changes on protein structure and function (PolyPhen-2) suggests that this variant is likely to be tolerated. In summary, the available evidence is currently insufficient to determine the role of this variant in disease. Therefore, it has been classified as a Variant of Uncertain Significance.